The following is an entry in ClinVar:

ClinVar aggregate classification (germline): Benign (1 of 4 stars; one submission).

Conditions:
Lynch syndrome 4 (LYNCH4). Also called: Colorectal cancer, hereditary nonpolyposis, type 4; Hereditary non-polyposis colorectal cancer, type 4. Identifiers: Orphanet 144, MedGen C1838333, MONDO:0013699, OMIM 614337. Disease mechanism: loss of function.

Submission:

Myriad Genetics, Inc.
Classification: Benign for Lynch syndrome 4. Last evaluated: 2025-01-24. Review status: criteria provided, single submitter. Criteria: Myriad Autosomal Dominant, Autosomal Recessive and X-Linked Classification Criteria (2023). Collection method: clinical testing. Allele origin: unknown.
Comment: This variant is considered benign. This variant is a silent/synonymous amino acid change and it is not expected to impact splicing.

NM_000535.7(PMS2):c.285_288delinsCGCT (p.Phe95_Ala96=)

Gene: PMS2 (PMS1 homolog 2, mismatch repair system component; minus strand). Cytogenetic location: 7p22.1.
Variant type: Indel.
Coding change: c.285_288delinsCGCT on transcript NM_000535.7 (MANE Select); coding-DNA positions 285 to 288, TGCC replaced by CGCT.
Protein change: p.Phe95_Ala96=.
Molecular consequence: synonymous variant. On other transcripts: 5 prime UTR variant (35), non-coding transcript variant (1), intron variant (11).
Genome position (GRCh38, 1-based): chr7:6,003,755-6,003,758, GGCA replaced by AGCG on the plus strand (TGCC replaced by CGCT on the coding strand, the reverse complement: PMS2 is on the minus strand). VCF-style: chr7-6003755-GGCA-AGCG. GRCh37 (hg19) VCF-style: chr7-6043386-GGCA-AGCG.
Other names: c.-121_-118delinsCGCT (NM_001322003.2, NM_001322004.2, NM_001322005.2 and 13 more transcripts); c.285_288delinsCGCT, p.Phe95_Ala96= (NM_001322006.2, NM_001322014.2, NM_001406869.1 and 8 more transcripts); c.-600_-597delinsCGCT (NM_001322011.2, NM_001322012.2); c.-200_-197delinsCGCT (NM_001322015.2, NM_001406875.1, NM_001406877.1 and 3 more transcripts); c.471_474delinsCGCT, p.Phe157_Ala158= (NM_001406866.1); c.309_312delinsCGCT, p.Phe103_Ala104= (NM_001406868.1); c.-147_-144delinsCGCT (NM_001406880.1); c.-68_-65delinsCGCT (NM_001406888.1, NM_001406889.1, NM_001406892.1 and 6 more transcripts); and 5 more.
Identifiers: ClinVar variation 3903574 (VCV003903574.1).